The following is an entry in ClinVar:

ClinVar aggregate classification (germline): Uncertain significance. Review status: criteria provided, multiple submitters, no conflicts (2 of 4 stars). 4 submissions from 4 submitters: Uncertain significance (3). 1 of the submissions does not count toward it. Last evaluated 2024-01-08.

Conditions:
Congenital myasthenic syndrome (CMS). Also called: Congenital Myasthenic Syndromes. Identifiers: Orphanet 590, MedGen C0751882, MeSH D020294, MONDO:0018940.
Inborn genetic diseases. Identifiers: MedGen C0950123, MeSH D030342.
Congenital myasthenic syndrome 11. Also called: MYASTHENIC SYNDROME, CONGENITAL, Ie; Myasthenic syndrome, congenital, 11, associated with acetylcholine receptor deficiency. Identifiers: Orphanet 590, MedGen C4225367, MONDO:0014588, OMIM 616326.
Fetal akinesia deformation sequence 1 (FADS1). Also called: Fetal akinesia sequence; Pena-Shokeir syndrome type I. Identifiers: Orphanet 994, MedGen C1276035, MONDO:0100101, OMIM 208150, HP:0001989.

Allele frequency attached by ClinVar (database versions not stated): gnomAD 0.00001; TOPMed 0.00001; 1000 Genomes Project 30x 0.00016.
gnomAD v4.1: 23 of 1,565,380 alleles (0.0015%); highest among the groups gnomAD compares: Middle Eastern, 0.017%; no homozygotes.

Submissions (4):

Ambry Genetics
Classification: Uncertain significance for Inborn genetic diseases. Last evaluated: 2024-01-08. Review status: criteria provided, single submitter. Criteria: Ambry Variant Classification Scheme 2023. Collection method: clinical testing. Allele origin: germline.

Labcorp Genetics (formerly Invitae), Labcorp
Classification: Uncertain significance for Congenital myasthenic syndrome 11; Fetal akinesia deformation sequence 1. Last evaluated: 2022-07-03. Review status: criteria provided, single submitter. Criteria: Invitae Variant Classification Sherloc (09022015). Collection method: clinical testing. Allele origin: germline.
Comment: This sequence change replaces arginine, which is basic and polar, with glutamine, which is neutral and polar, at codon 376 of the RAPSN protein (p.Arg376Gln). The frequency data for this variant in the population databases is considered unreliable, as metrics indicate poor data quality at this position in the gnomAD database. This variant has not been reported in the literature in individuals affected with RAPSN-related conditions. ClinVar contains an entry for this variant (Variation ID: 574114). Algorithms developed to predict the effect of missense changes on protein structure and function (SIFT, PolyPhen-2, Align-GVGD) all suggest that this variant is likely to be tolerated. In summary, the available evidence is currently insufficient to determine the role of this variant in disease. Therefore, it has been classified as a Variant of Uncertain Significance.

Revvity Omics, Revvity
Classification: Uncertain significance. Last evaluated: 2019-10-09. Review status: criteria provided, single submitter. Criteria: ACMG Guidelines, 2015. Collection method: clinical testing. Allele origin: germline.

Natera, Inc.
Classification: Uncertain significance for Congenital myasthenic syndrome. Last evaluated: 2020-11-11. Review status: no assertion criteria provided. Collection method: clinical testing. Allele origin: germline. Not counted in ClinVar's aggregate classification.

NM_005055.5(RAPSN):c.1127G>A (p.Arg376Gln)

Gene: RAPSN (receptor associated protein of the synapse; minus strand). Cytogenetic location: 11p11.2.
Variant type: single nucleotide variant.
Coding change: c.1127G>A on transcript NM_005055.5 (MANE Select); coding-DNA position 1127, G replaced by A.
Protein change: p.Arg376Gln; replaces arginine 376 with glutamine.
Molecular consequence: missense variant.
Genome position (GRCh38, 1-based): chr11:47,438,771, C>T on the plus strand (G>A on the coding strand, the complement: RAPSN is on the minus strand). VCF-style: chr11-47438771-C-T. GRCh37 (hg19) VCF-style: chr11-47460322-C-T.
Other names: c.950G>A, p.Arg317Gln (NM_032645.5); short protein forms R376Q, R317Q.
Identifiers: ClinVar variation 574114 (VCV000574114.8), dbSNP rs1241928450, ClinGen allele CA380327314.
Genomic context (GRCh38, chr11:47,438,771, plus strand): 5'-CACCCCCCCAGGAGCCCCCACCTGAGGTGGAAGATGTGGGAGCAAGGTAGGGCCTGCAGC[C>T]GGCTGTTCTTCTCGCCTATGGACTCGCCGCACAGGCCGCAGTAGAGCTCCGTCTCCTCCA-3'
Protein context (NP_005046.2, residues 366-386): CGESIGEKNS[Arg376Gln]LQALPCSHIF